The following is an entry in ClinVar:

NM_001348716.2(KDM6B):c.3845A>G (p.Gln1282Arg)

Genes: KDM6B (lysine demethylase 6B; plus strand), LOC121587574 (Sharpr-MPRA regulatory region 3930; plus strand). Cytogenetic location: 17p13.1.
Variant type: single nucleotide variant.
Coding change: c.3845A>G on transcript NM_001348716.2 (MANE Select); coding-DNA position 3845, A replaced by G.
Protein change: p.Gln1282Arg; replaces glutamine 1282 with arginine.
Molecular consequence: missense variant.
Genome position (GRCh38, 1-based): chr17:7,851,192, A>G. VCF-style: chr17-7851192-A-G. GRCh37 (hg19) VCF-style: chr17-7754510-A-G.
Other names: c.3845A>G, p.Gln1282Arg (NM_001080424.2); short protein forms Q1282R.
Identifiers: ClinVar variation 4681585 (VCV004681585.6).

ClinVar aggregate classification (germline): Uncertain significance. Review status: criteria provided, multiple submitters, no conflicts (2 of 4 stars). 2 submissions from 2 submitters: Uncertain significance (2). Last evaluated 2025-12-01.

gnomAD v4.1: 2 of 1,614,030 alleles (0.00012%); highest among the groups gnomAD compares: East Asian, 0.0022%; no homozygotes.

Submissions (2):

CeGaT Center for Human Genetics Tuebingen
Classification: Uncertain significance. Last evaluated: 2025-12-01. Review status: criteria provided, single submitter. Criteria: CeGaT Center For Human Genetics Tuebingen Variant Classification Criteria Version 2. Collection method: clinical testing. Allele origin: germline. Affected: yes. Observed: 1 variant allele.
Comment: KDM6B: PM2

Blueprint Genetics
Classification: Uncertain significance. Last evaluated: 2023-10-06. Review status: criteria provided, single submitter. Criteria: ACMG Guidelines, 2015. Collection method: clinical testing. Allele origin: germline.